The following is an entry in ClinVar:

ClinVar aggregate classification (germline): Benign. Review status: criteria provided, multiple submitters, no conflicts (2 of 4 stars). 3 submissions from 3 submitters: Benign (3). Last evaluated 2018-06-23.

Conditions:
Mitochondrial DNA depletion syndrome 9 (MTDPS9). Also called: SUCLG1-Related Mitochondrial DNA Depletion Syndrome, Encephalomyopathic Form with Methylmalonic Aciduria. Identifiers: Orphanet 17, MedGen C3151476, MONDO:0009504, OMIM 245400.

Allele frequency attached by ClinVar (database versions not stated): TOPMed 0.79268; 1000 Genomes Project 30x 0.79419; gnomAD 0.79934 and 0.80830; 1000 Genomes Project 0.80212; gnomAD exomes 0.92130.
gnomAD v4.1: 637,025 of 710,918 alleles (90%); highest among the groups gnomAD compares: East Asian, 93%; 290,493 homozygotes.

Submissions (3):

GeneDx
Classification: Benign. Last evaluated: 2018-06-23. Review status: criteria provided, single submitter. Criteria: GeneDx Variant Classification Process June 2021. Collection method: clinical testing. Allele origin: germline. Affected: yes.

Illumina Laboratory Services, Illumina
Classification: Benign for Mitochondrial DNA depletion syndrome 9. Last evaluated: 2018-01-12. Review status: criteria provided, single submitter. Criteria: ICSL Variant Classification Criteria 13 December 2019. Collection method: clinical testing. Allele origin: germline.
Comment: This variant was observed in the ICSL laboratory as part of a predisposition screen in an ostensibly healthy population. It had not been previously curated by ICSL or reported in the Human Gene Mutation Database (HGMD: prior to June 1st, 2018), and was therefore a candidate for classification through an automated scoring system. Utilizing variant allele frequency, disease prevalence and penetrance estimates, and inheritance mode, an automated score was calculated to assess if this variant is too frequent to cause the disease. Based on the score and internal cut-off values, a variant classified as benign is not then subjected to further curation. The score for this variant resulted in a classification of benign for this disease.

Breakthrough Genomics
Classification: Benign. Review status: criteria provided, single submitter. Criteria: ACMG Guidelines, 2015. Collection method: not provided. Allele origin: germline. Inheritance: Autosomal recessive inheritance. Affected: yes.

NM_003849.4(SUCLG1):c.*163T>C

Gene: SUCLG1 (succinate-CoA ligase GDP/ADP-forming subunit alpha; minus strand). Cytogenetic location: 2p11.2.
Variant type: single nucleotide variant.
Coding change: c.*163T>C on transcript NM_003849.4 (MANE Select); 163 bases downstream of the stop codon, T replaced by C.
Molecular consequence: 3 prime UTR variant.
Genome position (GRCh38, 1-based): chr2:84,423,583, A>G on the plus strand (T>C on the coding strand, the complement: SUCLG1 is on the minus strand). VCF-style: chr2-84423583-A-G. GRCh37 (hg19) VCF-style: chr2-84650707-A-G.
Identifiers: ClinVar variation 337149 (VCV000337149.9), dbSNP rs2832, ClinGen allele CA10616258.